The following is an entry in ClinVar:

ClinVar aggregate classification (germline): Likely benign. Review status: reviewed by expert panel (3 of 4 stars). 2 submissions from 2 submitters: Likely benign (1). 1 of the submissions does not count toward it. Last evaluated 2017-06-29.

Conditions:
Breast-ovarian cancer, familial, susceptibility to, 2 (BROVCA2). Also called: BRCA2 Hereditary Breast and Ovarian Cancer. Identifiers: Orphanet 145, MedGen C2675520, MONDO:0012933, OMIM 612555. Disease mechanism: loss of function.
Hereditary cancer-predisposing syndrome. Also called: Hereditary Cancer Syndrome; Neoplastic Syndromes, Hereditary; Tumor predisposition; Hereditary neoplastic syndrome. Identifiers: Orphanet 140162, MedGen C0027672, MeSH D009386, MONDO:0015356.

Submissions (2):

Evidence-based Network for the Interpretation of Germline Mutant Alleles (ENIGMA)
Classification: Likely benign for Breast-ovarian cancer, familial, susceptibility to, 2. Last evaluated: 2017-06-29. Review status: reviewed by expert panel. Criteria: ENIGMA BRCA1/2 Classification Criteria (2017-06-29). Collection method: curation. Allele origin: germline.
Comment: Synonymous substitution variant, with low bioinformatic likelihood to result in a splicing aberration (Splicing prior probability 0.02).

Ambry Genetics
Classification: Likely benign for Hereditary cancer-predisposing syndrome. Last evaluated: 2014-07-31. Review status: criteria provided, single submitter. Criteria: Ambry Variant Classification Scheme 2023. Collection method: clinical testing. Allele origin: germline. Not counted in ClinVar's aggregate classification.

NM_000059.4(BRCA2):c.8565G>A (p.Val2855=)

Gene: BRCA2 (BRCA2 DNA repair associated; plus strand). Cytogenetic location: 13q13.1.
Variant type: single nucleotide variant.
Coding change: c.8565G>A on transcript NM_000059.4 (MANE Select); coding-DNA position 8565, G replaced by A.
Protein change: p.Val2855=; no amino-acid change (valine 2855 retained).
Molecular consequence: synonymous variant.
Genome position (GRCh38, 1-based): chr13:32,371,033, G>A. VCF-style: chr13-32371033-G-A. GRCh37 (hg19) VCF-style: chr13-32945170-G-A.
Identifiers: ClinVar variation 185880 (VCV000185880.7), dbSNP rs786202532, ClinGen allele CA025711.